The following is an entry in ClinVar:

ClinVar aggregate classification (germline): Uncertain significance (1 of 4 stars; one submission).

Conditions:
Hereditary cancer-predisposing syndrome. Also called: Tumor predisposition; Neoplastic Syndromes, Hereditary; Hereditary Cancer Syndrome; Hereditary neoplastic syndrome. Identifiers: Orphanet 140162, MedGen C0027672, MeSH D009386, MONDO:0015356.

Submission:

Ambry Genetics
Classification: Uncertain significance for Hereditary cancer-predisposing syndrome. Last evaluated: 2022-09-12. Review status: criteria provided, single submitter. Criteria: Ambry Variant Classification Scheme 2023. Collection method: clinical testing. Allele origin: germline.
Comment: The p.Q107R variant (also known as c.320A>G), located in coding exon 3 of the FANCC gene, results from an A to G substitution at nucleotide position 320. The glutamine at codon 107 is replaced by arginine, an amino acid with highly similar properties. This amino acid position is conserved. In addition, this alteration is predicted to be tolerated by in silico analysis. Since supporting evidence is limited at this time, the clinical significance of this alteration remains unclear.

NM_000136.3(FANCC):c.320A>G (p.Gln107Arg)

Gene: FANCC (FA complementation group C; minus strand). Cytogenetic location: 9q22.32.
Variant type: single nucleotide variant.
Coding change: c.320A>G on transcript NM_000136.3 (MANE Select); coding-DNA position 320, A replaced by G.
Protein change: p.Gln107Arg; replaces glutamine 107 with arginine.
Molecular consequence: missense variant.
Genome position (GRCh38, 1-based): chr9:95,240,674, T>C on the plus strand (A>G on the coding strand, the complement: FANCC is on the minus strand). VCF-style: chr9-95240674-T-C. GRCh37 (hg19) VCF-style: chr9-98002956-T-C.
Other names: c.320A>G, p.Gln107Arg (NM_001243743.2, NM_001243744.2); short protein forms Q107R.
Identifiers: ClinVar variation 1728901 (VCV001728901.2), dbSNP rs2542754857, ClinGen allele CA374339247.
Genomic context (GRCh38, chr9:95,240,674, plus strand): 5'-TTCAAAGAAGTGCAGAGCAAGATTTACTCTCTTACCTGTATCCAGGAGTTAAGTTTTGAT[T>C]GTCCAGAATTCTGTGGTTCTTTGTTAATTAGACAACATAAGCACCATATTAGAATTTTTT-3'
Protein context (NP_000127.2, residues 97-117): LINKEPQNSG[Gln107Arg]SKLNSWIQGV